The following is an entry in ClinVar:

ClinVar aggregate classification (germline): Uncertain significance. Review status: criteria provided, multiple submitters, no conflicts (2 of 4 stars). 2 submissions from 2 submitters: Uncertain significance (2). Last evaluated 2025-03-18.

Conditions:
Emery-Dreifuss muscular dystrophy 5, autosomal dominant (EDMD5). Also called: EMERY-DREIFUSS MUSCULAR DYSTROPHY 5. Identifiers: Orphanet 261, MedGen C2751805, MONDO:0013072, OMIM 612999.

Allele frequency attached by ClinVar (database versions not stated): gnomAD exomes below 0.00001; TOPMed 0.00001.
gnomAD v4.1: 5 of 1,614,104 alleles (0.00031%); highest among the groups gnomAD compares: South Asian, 0.0044%; no homozygotes.

Submissions (2):

Ambry Genetics
Classification: Uncertain significance. Last evaluated: 2025-03-18. Review status: criteria provided, single submitter. Criteria: Ambry Variant Classification Scheme 2023. Collection method: clinical testing. Allele origin: germline.

Labcorp Genetics (formerly Invitae), Labcorp
Classification: Uncertain significance for Emery-Dreifuss muscular dystrophy 5, autosomal dominant. Last evaluated: 2021-11-09. Review status: criteria provided, single submitter. Criteria: Invitae Variant Classification Sherloc (09022015). Collection method: clinical testing. Allele origin: germline.
Comment: In summary, the available evidence is currently insufficient to determine the role of this variant in disease. Therefore, it has been classified as a Variant of Uncertain Significance. Algorithms developed to predict the effect of missense changes on protein structure and function are either unavailable or do not agree on the potential impact of this missense change (SIFT: "Deleterious"; PolyPhen-2: "Possibly Damaging"; Align-GVGD: "Class C0"). This variant has not been reported in the literature in individuals affected with SYNE2-related conditions. This variant is not present in population databases (gnomAD no frequency). This sequence change replaces threonine, which is neutral and polar, with isoleucine, which is neutral and non-polar, at codon 3503 of the SYNE2 protein (p.Thr3503Ile).

NM_182914.3(SYNE2):c.10508C>T (p.Thr3503Ile)

Gene: SYNE2 (spectrin repeat containing nuclear envelope protein 2; plus strand). Cytogenetic location: 14q23.2.
Variant type: single nucleotide variant.
Coding change: c.10508C>T on transcript NM_182914.3 (MANE Select); coding-DNA position 10508, C replaced by T.
Protein change: p.Thr3503Ile; replaces threonine 3503 with isoleucine.
Molecular consequence: missense variant.
Genome position (GRCh38, 1-based): chr14:64,070,721, C>T. VCF-style: chr14-64070721-C-T. GRCh37 (hg19) VCF-style: chr14-64537439-C-T.
Other names: c.10508C>T, p.Thr3503Ile (NM_015180.6); c.10508C>T (NM_182914.2); short protein forms T3503I.
Identifiers: ClinVar variation 1383463 (VCV001383463.7), dbSNP rs1567208804, ClinGen allele CA389936269.
Genomic context (GRCh38, chr14:64,070,721, plus strand): 5'-TTATTTTAGATAATCTTCAGGAAGAACTCCCTGAAATTTCCAAAACAAAAGAGGCAGCCA[C>T]CACAGAGGAACTCTCTGAGCTGCTAGACTGTTTATGCCAATATGGAGAGAACGTGGAGAA-3'
Protein context (NP_878918.2, residues 3493-3513): PEISKTKEAA[Thr3503Ile]TEELSELLDC